The following is an entry in ClinVar:

ClinVar aggregate classification (germline): Likely benign. Review status: criteria provided, multiple submitters, no conflicts (2 of 4 stars). 2 submissions from 2 submitters: Likely benign (2). Last evaluated 2024-08-31.

Conditions:
Neuronal ceroid lipofuscinosis. Also called: Neuronal Ceroid Lipofuscinoses. Identifiers: Orphanet 216, Orphanet 79263, MedGen C0027877, MONDO:0016295. Disease mechanism: loss of function.

Submissions (2):

Labcorp Genetics (formerly Invitae), Labcorp
Classification: Likely benign for Neuronal ceroid lipofuscinosis. Last evaluated: 2024-08-31. Review status: criteria provided, single submitter. Criteria: Invitae Variant Classification Sherloc (09022015). Collection method: clinical testing. Allele origin: germline.

GeneDx
Classification: Likely benign. Last evaluated: 2017-08-16. Review status: criteria provided, single submitter. Criteria: GeneDx Variant Classification (06012015). Collection method: clinical testing. Allele origin: germline. Affected: yes.
Comment: This variant is considered likely benign or benign based on one or more of the following criteria: it is a conservative change, it occurs at a poorly conserved position in the protein, it is predicted to be benign by multiple in silico algorithms, and/or has population frequency not consistent with disease.

NM_001042432.2(CLN3):c.534-18C>T

Gene: CLN3 (CLN3 lysosomal/endosomal transmembrane protein, battenin; minus strand). Cytogenetic location: 16p12.1.
Variant type: single nucleotide variant.
Coding change: c.534-18C>T on transcript NM_001042432.2 (MANE Select); 18 bases into the intron before coding-DNA position 534, C replaced by T.
Molecular consequence: intron variant.
Genome position (GRCh38, 1-based): chr16:28,486,508, G>A on the plus strand (C>T on the coding strand, the complement: CLN3 is on the minus strand). VCF-style: chr16-28486508-G-A. GRCh37 (hg19) VCF-style: chr16-28497829-G-A.
Other names: c.300-18C>T (NM_001286109.2); c.462-18C>T (NM_001286104.2); c.234-18C>T (NM_001286105.2); c.372-18C>T (NM_001286110.2); c.534-18C>T (NM_000086.2).
Identifiers: ClinVar variation 511423 (VCV000511423.3), dbSNP rs1310342698, ClinGen allele CA622160673.